The following is an entry in ClinVar:

ClinVar aggregate classification (germline): Likely pathogenic (1 of 4 stars; one submission).

Conditions:
Trichorhinophalangeal dysplasia type I (TRPS1). Also called: TRICHORHINOPHALANGEAL SYNDROME, TYPE I; TRPS I. Identifiers: Orphanet 77258, MedGen C0432233, MONDO:0008596, OMIM 190350.

Submission:

Department of Pediatric Genetics, University of Health Sciences, Ankara Bilkent City Children’s Hospital
Classification: Likely pathogenic for Trichorhinophalangeal dysplasia type I. Last evaluated: 2024-12-01. Review status: criteria provided, single submitter. Criteria: ACMG Guidelines, 2015. Collection method: clinical testing. Allele origin: maternal. Affected: yes.
Comment: The c.3738T>G variant in the TRPS1 gene (NM_014112.5) is a missense change located in exon 7 and has not been previously reported in ClinVar. The allele frequency of this variant is not reported, and it is absent from population databases such as gnomAD (PM2). PM5 was applied because a different missense change at the same codon has been previously reported as likely pathogenic. In silico prediction tools suggest that this variant may impact splicing (PP3). PP2 was applied, as missense variants have been reported as a disease-causing mechanism in the TRPS1 gene. In summary, this variant meets the criteria to be classified as likely pathogenic for Trichorhinophalangeal syndrome type I (OMIM #190350), based on the ACMG guidelines (Richards et al., 2015), with supporting evidence from criteria PM5, PM2, PP3, PP1, and PP2.

NM_014112.5(TRPS1):c.3738T>G (p.His1246Gln)

Gene: TRPS1 (transcriptional repressor GATA binding 1; minus strand). Cytogenetic location: 8q23.3.
Variant type: single nucleotide variant.
Coding change: c.3738T>G on transcript NM_014112.5 (MANE Select); coding-DNA position 3738, T replaced by G.
Protein change: p.His1246Gln; replaces histidine 1246 with glutamine.
Molecular consequence: missense variant.
Genome position (GRCh38, 1-based): chr8:115,414,170, A>C on the plus strand (T>G on the coding strand, the complement: TRPS1 is on the minus strand). VCF-style: chr8-115414170-A-C. GRCh37 (hg19) VCF-style: chr8-116426398-A-C.
Other names: c.3711T>G, p.His1237Gln (NM_001282902.3); c.3717T>G, p.His1239Gln (NM_001282903.3); c.3699T>G, p.His1233Gln (NM_001330599.2); short protein forms H1233Q, H1237Q, H1239Q, H1246Q.
Identifiers: ClinVar variation 4073595 (VCV004073595.1).